The following is an entry in ClinVar:

ClinVar aggregate classification (germline): Conflicting classifications of pathogenicity. Review status: criteria provided, conflicting classifications (1 of 4 stars). 2 submissions from 2 submitters: Uncertain significance (1); Benign (1). Last evaluated 2025-02-16.

Conditions:
DiGeorge syndrome. Also called: THIRD AND FOURTH PHARYNGEAL POUCH SYNDROME; Catch22. Identifiers: Orphanet 567, MedGen C0012236, MONDO:0008564, OMIM 188400.

Allele frequency attached by ClinVar (database versions not stated): gnomAD 0.00001; gnomAD exomes 0.00001; TOPMed 0.00001.
gnomAD v4.1: 22 of 1,613,878 alleles (0.0014%); highest among the groups gnomAD compares: Middle Eastern, 0.049%; no homozygotes.

Submissions (2):

Laboratory of Genetics, Children's Clinical University Hospital Latvia
Classification: Benign. Last evaluated: 2025-02-16. Review status: criteria provided, single submitter. Criteria: ACMG Guidelines, 2015. Collection method: clinical testing. Allele origin: germline. Affected: yes.

Labcorp Genetics (formerly Invitae), Labcorp
Classification: Uncertain significance for DiGeorge syndrome. Last evaluated: 2024-12-23. Review status: criteria provided, single submitter. Criteria: Invitae Variant Classification Sherloc (09022015). Collection method: clinical testing. Allele origin: germline.
Comment: This sequence change falls in intron 4 of the TBX1 gene. It does not directly change the encoded amino acid sequence of the TBX1 protein. It affects a nucleotide within the consensus splice site. This variant is present in population databases (no rsID available, gnomAD 0.004%). This variant has not been reported in the literature in individuals affected with TBX1-related conditions. ClinVar contains an entry for this variant (Variation ID: 2912021). Variants that disrupt the consensus splice site are a relatively common cause of aberrant splicing (PMID: 17576681, 9536098). Algorithms developed to predict the effect of sequence changes on RNA splicing suggest that this variant is not likely to affect RNA splicing. In summary, the available evidence is currently insufficient to determine the role of this variant in disease. Therefore, it has been classified as a Variant of Uncertain Significance.

Literature cited by the submitters: PubMed 17576681 (cited by Labcorp Genetics (formerly Invitae), Labcorp); PubMed 9536098 (cited by Labcorp Genetics (formerly Invitae), Labcorp).

NM_001379200.1(TBX1):c.539+6C>T

Gene: TBX1 (T-box transcription factor 1; plus strand). Cytogenetic location: 22q11.21.
Variant type: single nucleotide variant.
Coding change: c.539+6C>T on transcript NM_001379200.1 (MANE Select); 6 bases into the intron after coding-DNA position 539, C replaced by T.
Molecular consequence: intron variant.
Genome position (GRCh38, 1-based): chr22:19,763,348, C>T. VCF-style: chr22-19763348-C-T. GRCh37 (hg19) VCF-style: chr22-19750871-C-T.
Other names: c.512+6C>T (NM_005992.1, NM_080646.2, NM_080647.1).
Identifiers: ClinVar variation 2912021 (VCV002912021.4), dbSNP rs1219849128, ClinGen allele CA638358646.